The following is an entry in ClinVar:

ClinVar aggregate classification (germline): Uncertain significance. Review status: criteria provided, multiple submitters, no conflicts (2 of 4 stars). 2 submissions from 2 submitters: Uncertain significance (2). Last evaluated 2026-04-06.

Conditions:
BBS1-related disorder. Also called: BBS1-related condition.
Bardet-Biedl syndrome 1 (BBS1). Identifiers: MedGen C2936862, MONDO:0008854, OMIM 209900. Disease mechanism: loss of function.

gnomAD v4.1: 28 of 1,610,694 alleles (0.0017%); highest among the groups gnomAD compares: Non-Finnish European, 0.0021%; no homozygotes.

Submissions (2):

PreventionGenetics, part of Exact Sciences
Classification: Uncertain significance for BBS1-related condition. Last evaluated: 2026-04-06. Review status: criteria provided, single submitter. Criteria: ACMG Guidelines, 2015. Collection method: clinical testing. Allele origin: germline.
Comment: The BBS1 c.952-9C>A variant is predicted to interfere with splicing. This variant is predicted to alter splicing based on available splicing prediction software (SpliceAI, Jaganathan et al. 2019. PubMed ID: 30661751). However, the use of computer prediction softwares is not equivalent to functional evidence. To our knowledge, this variant has not been reported in the literature. This variant is reported in 0.00088% of alleles in individuals of European (non-Finnish) descent in gnomAD. At this time, the clinical significance of this variant is uncertain due to the absence of conclusive functional and genetic evidence.

Fulgent Genetics
Classification: Uncertain significance for Bardet-Biedl syndrome 1. Last evaluated: 2024-03-07. Review status: criteria provided, single submitter. Criteria: ACMG Guidelines, 2015. Collection method: clinical testing. Allele origin: germline.

NM_024649.5(BBS1):c.952-9C>A

Genes: BBS1 (Bardet-Biedl syndrome 1; plus strand), ZDHHC24 (zDHHC palmitoyltransferase 24; minus strand). Cytogenetic location: 11q13.2.
Variant type: single nucleotide variant.
Coding change: c.952-9C>A on transcript NM_024649.5 (MANE Select); 9 bases into the intron before coding-DNA position 952, C replaced by A.
Molecular consequence: intron variant.
Genome position (GRCh38, 1-based): chr11:66,523,715, C>A. VCF-style: chr11-66523715-C-A. GRCh37 (hg19) VCF-style: chr11-66291186-C-A.
Other names: c.*22-2249G>T (NM_001348571.2).
Identifiers: ClinVar variation 3356242 (VCV003356242.3).